The following is an entry in ClinVar:

ClinVar aggregate classification (germline): Uncertain significance (1 of 4 stars; one submission).

Submission:

GeneDx
Classification: Uncertain significance. Last evaluated: 2024-09-20. Review status: criteria provided, single submitter. Criteria: GeneDx Variant Classification Process June 2021. Collection method: clinical testing. Allele origin: germline. Affected: yes.
Comment: Not observed at significant frequency in large population cohorts (gnomAD); In silico analysis indicates that this missense variant does not alter protein structure/function; Has not been previously published as pathogenic or benign to our knowledge

NM_181332.3(NLGN4X):c.1757A>G (p.Lys586Arg)

Gene: NLGN4X (neuroligin 4 X-linked; minus strand). Cytogenetic location: Xp22.32.
Variant type: single nucleotide variant.
Coding change: c.1757A>G on transcript NM_181332.3 (MANE Select); coding-DNA position 1757, A replaced by G.
Protein change: p.Lys586Arg; replaces lysine 586 with arginine.
Molecular consequence: missense variant.
Genome position (GRCh38, 1-based): chrX:5,893,511, T>C on the plus strand (A>G on the coding strand, the complement: NLGN4X is on the minus strand). VCF-style: chrX-5893511-T-C. GRCh37 (hg19) VCF-style: chrX-5811552-T-C.
Other names: c.1757A>G, p.Lys586Arg (NM_001282145.2, NM_001282146.2, NM_020742.4); short protein forms K586R.
Identifiers: ClinVar variation 3774094 (VCV003774094.1).